The following is an entry in ClinVar:

ClinVar aggregate classification (germline): Uncertain significance. Review status: criteria provided, multiple submitters, no conflicts (2 of 4 stars). 2 submissions from 2 submitters: Uncertain significance (2). Last evaluated 2024-06-04.

Conditions:
Inborn genetic diseases. Identifiers: MedGen C0950123, MeSH D030342.
Singleton-Merten syndrome 1 (SGMRT1). Also called: Widened medullary cavities of bone, aortic calcification, abnormal dentition, and muscular weakness; Syndrome of widened medullary cavities of the metacarpals and phalanges, aortic calcification and abnormal dentition. Identifiers: Orphanet 85191, MedGen C4225427, MONDO:0024535, OMIM 182250.
Aicardi-Goutieres syndrome 7 (AGS7). Identifiers: Orphanet 51, MedGen C3888244, MONDO:0014367, OMIM 615846.

Allele frequency attached by ClinVar (database versions not stated): gnomAD exomes below 0.00001; gnomAD 0.00001.
gnomAD v4.1: 2 of 1,602,638 alleles (0.00012%); highest among the groups gnomAD compares: African/African-American, 0.0027%; no homozygotes.

Submissions (2):

Labcorp Genetics (formerly Invitae), Labcorp
Classification: Uncertain significance for Aicardi-Goutieres syndrome 7; Singleton-Merten syndrome 1. Last evaluated: 2024-06-04. Review status: criteria provided, single submitter. Criteria: Invitae Variant Classification Sherloc (09022015). Collection method: clinical testing. Allele origin: germline.
Comment: This sequence change replaces lysine, which is basic and polar, with glutamic acid, which is acidic and polar, at codon 688 of the IFIH1 protein (p.Lys688Glu). This variant is not present in population databases (gnomAD no frequency). This variant has not been reported in the literature in individuals affected with IFIH1-related conditions. ClinVar contains an entry for this variant (Variation ID: 2252122). Advanced modeling of protein sequence and biophysical properties (such as structural, functional, and spatial information, amino acid conservation, physicochemical variation, residue mobility, and thermodynamic stability) has been performed at Invitae for this missense variant, however the output from this modeling did not meet the statistical confidence thresholds required to predict the impact of this variant on IFIH1 protein function. In summary, the available evidence is currently insufficient to determine the role of this variant in disease. Therefore, it has been classified as a Variant of Uncertain Significance.

Ambry Genetics
Classification: Uncertain significance for Inborn genetic diseases. Last evaluated: 2021-09-27. Review status: criteria provided, single submitter. Criteria: Ambry Variant Classification Scheme 2023. Collection method: clinical testing. Allele origin: germline.

NM_022168.4(IFIH1):c.2062A>G (p.Lys688Glu)

Gene: IFIH1 (interferon induced with helicase C domain 1; minus strand). Cytogenetic location: 2q24.2.
Variant type: single nucleotide variant.
Coding change: c.2062A>G on transcript NM_022168.4 (MANE Select); coding-DNA position 2062, A replaced by G.
Protein change: p.Lys688Glu; replaces lysine 688 with glutamic acid.
Molecular consequence: missense variant.
Genome position (GRCh38, 1-based): chr2:162,276,929, T>C on the plus strand (A>G on the coding strand, the complement: IFIH1 is on the minus strand). VCF-style: chr2-162276929-T-C. GRCh37 (hg19) VCF-style: chr2-163133439-T-C.
Other names: short protein forms K688E.
Identifiers: ClinVar variation 2252122 (VCV002252122.4), dbSNP rs1682679958, ClinGen allele CA348998074.